The following is an entry in ClinVar:

NM_014989.7(RIMS1):c.1723C>T (p.Arg575Trp)

Gene: RIMS1 (regulating synaptic membrane exocytosis 1; plus strand). Cytogenetic location: 6q13.
Variant type: single nucleotide variant.
Coding change: c.1723C>T on transcript NM_014989.7 (MANE Select); coding-DNA position 1723, C replaced by T.
Protein change: p.Arg575Trp; replaces arginine 575 with tryptophan.
Molecular consequence: missense variant. On other transcripts: 5 prime UTR variant (9).
Genome position (GRCh38, 1-based): chr6:72,233,817, C>T. VCF-style: chr6-72233817-C-T. GRCh37 (hg19) VCF-style: chr6-72943520-C-T.
Other names: c.145C>T, p.Arg49Trp (NM_001168407.2, NM_001168408.2, NM_001350414.2 and 37 more transcripts); c.-99C>T (NM_001168409.2, NM_001350461.2, NM_001350463.2 and 6 more transcripts); c.100C>T, p.Arg34Trp (NM_001168410.2, NM_001350470.2, NM_001350472.2 and 2 more transcripts); c.76C>T, p.Arg26Trp (NM_001350421.2, NM_001350424.2, NM_001350428.2 and 6 more transcripts); short protein forms R49W, R575W, R26W, R34W.
Identifiers: ClinVar variation 853150 (VCV000853150.11), dbSNP rs767118962, ClinGen allele CA3885786.

ClinVar aggregate classification (germline): Uncertain significance. Review status: criteria provided, multiple submitters, no conflicts (2 of 4 stars). 3 submissions from 3 submitters: Uncertain significance (3). Last evaluated 2023-01-01.

Conditions:
Retinal dystrophy. Also called: Inherited retinal dystrophy. Identifiers: Orphanet 71862, MedGen C0854723, MeSH D058499, MONDO:0019118, HP:0000556.

Allele frequency attached by ClinVar (database versions not stated): gnomAD 0.00002 and 0.00003; TOPMed 0.00003.
gnomAD v4.1: 16 of 1,581,250 alleles (0.001%); highest among the groups gnomAD compares: African/African-American, 0.0027%; no homozygotes.

Submissions (3):

Institute of Human Genetics, Univ. Regensburg, Univ. Regensburg
Classification: Uncertain significance for Retinal dystrophy. Last evaluated: 2023-01-01. Review status: criteria provided, single submitter. Criteria: ACMG Guidelines, 2015. Collection method: clinical testing. Allele origin: germline. Affected: yes.

Labcorp Genetics (formerly Invitae), Labcorp
Classification: Uncertain significance. Last evaluated: 2022-10-14. Review status: criteria provided, single submitter. Criteria: Invitae Variant Classification Sherloc (09022015). Collection method: clinical testing. Allele origin: germline.
Comment: In summary, the available evidence is currently insufficient to determine the role of this variant in disease. Therefore, it has been classified as a Variant of Uncertain Significance. Algorithms developed to predict the effect of missense changes on protein structure and function (SIFT, PolyPhen-2, Align-GVGD) all suggest that this variant is likely to be disruptive. ClinVar contains an entry for this variant (Variation ID: 853150). This missense change has been observed in individual(s) with RIMS1-related conditions (PMID: 28191889). The frequency data for this variant in the population databases is considered unreliable, as metrics indicate poor data quality at this position in the gnomAD database. This sequence change replaces arginine, which is basic and polar, with tryptophan, which is neutral and slightly polar, at codon 575 of the RIMS1 protein (p.Arg575Trp).

Blueprint Genetics
Classification: Uncertain significance. Last evaluated: 2021-09-13. Review status: criteria provided, single submitter. Criteria: ACMG Guidelines, 2015. Collection method: clinical testing. Allele origin: germline.

Literature cited by the submitters: PubMed 28191889 (cited by Institute of Human Genetics, Univ. Regensburg, Univ. Regensburg and Labcorp Genetics (formerly Invitae), Labcorp).